The following is an entry in ClinVar:

ClinVar aggregate classification (germline): Uncertain significance. Review status: criteria provided, multiple submitters, no conflicts (2 of 4 stars). 3 submissions from 3 submitters: Uncertain significance (3). Last evaluated 2024-09-11.

Conditions:
Hereditary cancer-predisposing syndrome. Also called: Neoplastic Syndromes, Hereditary; Hereditary neoplastic syndrome; Tumor predisposition; Hereditary Cancer Syndrome. Identifiers: Orphanet 140162, MedGen C0027672, MeSH D009386, MONDO:0015356.
Neurofibromatosis, type 2 (SWNV). Also called: BILATERAL ACOUSTIC NEUROFIBROMATOSIS; SCHWANNOMATOSIS, VESTIBULAR; NF2-Related Schwannomatosis. Identifiers: Orphanet 637, MedGen C0027832, MONDO:0007039, OMIM 101000. Disease mechanism: loss of function.

Allele frequency attached by ClinVar (database versions not stated): TOPMed below 0.00001; gnomAD 0.00001.
gnomAD v4.1: 1 of 1,614,118 alleles (0.000062%); highest among the groups gnomAD compares: African/African-American, 0.0013%; no homozygotes.

Submissions (3):

All of Us Research Program, National Institutes of Health
Classification: Uncertain significance for Neurofibromatosis, type 2. Last evaluated: 2024-09-11. Review status: criteria provided, single submitter. Criteria: ACMG Guidelines, 2015. Collection method: clinical testing. Allele origin: germline. Inheritance: Autosomal dominant inheritance. Observed: 1 variant allele, 1 heterozygote.
Comment: This study involves interpretation of variants in research participants for the purpose of population health screening. Participant phenotype was not available at the time of variant classification. Additional details can be found in publication PMID: 35346344, PMCID: PMC8962531

Labcorp Genetics (formerly Invitae), Labcorp
Classification: Uncertain significance for Neurofibromatosis, type 2. Last evaluated: 2023-05-08. Review status: criteria provided, single submitter. Criteria: Invitae Variant Classification Sherloc (09022015). Collection method: clinical testing. Allele origin: germline.
Comment: This sequence change replaces glutamic acid, which is acidic and polar, with aspartic acid, which is acidic and polar, at codon 355 of the NF2 protein (p.Glu355Asp). This variant is not present in population databases (gnomAD no frequency). In summary, the available evidence is currently insufficient to determine the role of this variant in disease. Therefore, it has been classified as a Variant of Uncertain Significance. Advanced modeling of protein sequence and biophysical properties (such as structural, functional, and spatial information, amino acid conservation, physicochemical variation, residue mobility, and thermodynamic stability) performed at Invitae indicates that this missense variant is not expected to disrupt NF2 protein function. ClinVar contains an entry for this variant (Variation ID: 862788). This variant has not been reported in the literature in individuals affected with NF2-related conditions.

Ambry Genetics
Classification: Uncertain significance for Hereditary cancer-predisposing syndrome. Last evaluated: 2022-03-27. Review status: criteria provided, single submitter. Criteria: Ambry Variant Classification Scheme 2023. Collection method: clinical testing. Allele origin: germline.
Comment: The p.E355D variant (also known as c.1065G>C), located in coding exon 11 of the NF2 gene, results from a G to C substitution at nucleotide position 1065. The glutamic acid at codon 355 is replaced by aspartic acid, an amino acid with highly similar properties. This amino acid position is conserved. In addition, this alteration is predicted to be tolerated by in silico analysis. Since supporting evidence is limited at this time, the clinical significance of this alteration remains unclear.

NM_000268.4(NF2):c.1065G>C (p.Glu355Asp)

Gene: NF2 (NF2, moesin-ezrin-radixin like (MERLIN) tumor suppressor; plus strand). Cytogenetic location: 22q12.2.
Variant type: single nucleotide variant.
Coding change: c.1065G>C on transcript NM_000268.4 (MANE Select); coding-DNA position 1065, G replaced by C.
Protein change: p.Glu355Asp; replaces glutamic acid 355 with aspartic acid.
Molecular consequence: missense variant. On other transcripts: non-coding transcript variant (1), intron variant (1).
Genome position (GRCh38, 1-based): chr22:29,671,891, G>C. VCF-style: chr22-29671891-G-C. GRCh37 (hg19) VCF-style: chr22-30067880-G-C.
Other names: c.1065G>C, p.Glu355Asp (NM_016418.5, NM_181825.3, NM_181832.3); c.939G>C, p.Glu313Asp (NM_181828.3); c.942G>C, p.Glu314Asp (NM_181829.3); c.816G>C, p.Glu272Asp (NM_181830.3, NM_181831.3); c.448-22861G>C (NM_181833.3); short protein forms E313D, E314D, E355D, E272D.
Identifiers: ClinVar variation 862788 (VCV000862788.11), dbSNP rs1277506366, ClinGen allele CA411146971.